The following is an entry in ClinVar:

ClinVar aggregate classification (germline): Uncertain significance (1 of 4 stars; one submission).

Conditions:
Inborn genetic diseases. Identifiers: MedGen C0950123, MeSH D030342.

Submission:

Ambry Genetics
Classification: Uncertain significance for Inborn genetic diseases. Last evaluated: 2026-08-31. Review status: criteria provided, single submitter. Criteria: Ambry Variant Classification Scheme 2023. Collection method: clinical testing. Allele origin: germline.
Comment: The p.K25T variant (also known as c.74A>C), located in coding exon 1 of the SBDS gene, results from an A to C substitution at nucleotide position 74. The lysine at codon 25 is replaced by threonine, an amino acid with similar properties. This amino acid position is conserved. In addition, this alteration is predicted to be deleterious by in silico analysis. Based on the available evidence, the clinical significance of this variant remains unclear.

NM_016038.4(SBDS):c.74A>C (p.Lys25Thr)

Gene: SBDS (SBDS ribosome maturation factor; minus strand). Cytogenetic location: 7q11.21.
Variant type: single nucleotide variant.
Coding change: c.74A>C on transcript NM_016038.4 (MANE Select); coding-DNA position 74, A replaced by C.
Protein change: p.Lys25Thr; replaces lysine 25 with threonine.
Molecular consequence: missense variant.
Genome position (GRCh38, 1-based): chr7:66,995,344, T>G on the plus strand (A>C on the coding strand, the complement: SBDS is on the minus strand). VCF-style: chr7-66995344-T-G. GRCh37 (hg19) VCF-style: chr7-66460331-T-G.
Other names: short protein forms K25T.
Identifiers: ClinVar variation 5029043 (VCV005029043.1).